The following is an entry in ClinVar:

NM_000075.4(CDK4):c.598G>T (p.Val200Phe)

Gene: CDK4 (cyclin dependent kinase 4; minus strand). Cytogenetic location: 12q14.1.
Variant type: single nucleotide variant.
Coding change: c.598G>T on transcript NM_000075.4 (MANE Select); coding-DNA position 598, G replaced by T.
Protein change: p.Val200Phe; replaces valine 200 with phenylalanine.
Molecular consequence: missense variant.
Genome position (GRCh38, 1-based): chr12:57,750,690, C>A on the plus strand (G>T on the coding strand, the complement: CDK4 is on the minus strand). VCF-style: chr12-57750690-C-A. GRCh37 (hg19) VCF-style: chr12-58144473-C-A.
Other names: c.598G>T (NM_000075.3); short protein forms V200F.
Identifiers: ClinVar variation 1498922 (VCV001498922.9), dbSNP rs2140385681, ClinGen allele CA385545681.
Genomic context (GRCh38, chr12:57,750,690, plus strand): 5'-TAGTCCAGGGTATGTGGGTCCCATACTTTCGACGAAACATCTCTGCAAAGATACAGCCAA[C>A]ACTCCACATGTCCACAGGTGTTGCATATGTGGACTGCAGAAGAACTTCGGGAGCTCGGTA-3'
Protein context (NP_000066.1, residues 190-210): TYATPVDMWS[Val200Phe]GCIFAEMFRR

ClinVar aggregate classification (germline): Uncertain significance. Review status: criteria provided, multiple submitters, no conflicts (2 of 4 stars). 2 submissions from 2 submitters: Uncertain significance (2). Last evaluated 2026-01-26.

Conditions:
Hereditary cancer-predisposing syndrome. Also called: Tumor predisposition; Hereditary neoplastic syndrome; Neoplastic Syndromes, Hereditary; Hereditary Cancer Syndrome. Identifiers: Orphanet 140162, MedGen C0027672, MeSH D009386, MONDO:0015356.
Familial melanoma. Also called: Hereditary melanoma; Hereditary cutaneous melanoma. Identifiers: Orphanet 618, MedGen C1512419, MONDO:0018961.

Submissions (2):

Labcorp Genetics (formerly Invitae), Labcorp
Classification: Uncertain significance for Familial melanoma. Last evaluated: 2026-01-26. Review status: criteria provided, single submitter. Criteria: Invitae Variant Classification Sherloc (09022015). Collection method: clinical testing. Allele origin: germline.
Comment: This sequence change replaces valine, which is neutral and non-polar, with phenylalanine, which is neutral and non-polar, at codon 200 of the CDK4 protein (p.Val200Phe). This variant is not present in population databases (gnomAD no frequency). This variant has not been reported in the literature in individuals affected with CDK4-related conditions. ClinVar contains an entry for this variant (Variation ID: 1498922). Invitae Evidence Modeling of protein sequence and biophysical properties (such as structural, functional, and spatial information, amino acid conservation, physicochemical variation, residue mobility, and thermodynamic stability) indicates that this missense variant is not expected to disrupt CDK4 protein function with a negative predictive value of 95%. In summary, the available evidence is currently insufficient to determine the role of this variant in disease. Therefore, it has been classified as a Variant of Uncertain Significance.

Ambry Genetics
Classification: Uncertain significance for Hereditary cancer-predisposing syndrome. Last evaluated: 2025-04-25. Review status: criteria provided, single submitter. Criteria: Ambry Variant Classification Scheme 2023. Collection method: clinical testing. Allele origin: germline.
Comment: The p.V200F variant (also known as c.598G>T), located in coding exon 4 of the CDK4 gene, results from a G to T substitution at nucleotide position 598. The valine at codon 200 is replaced by phenylalanine, an amino acid with highly similar properties. This amino acid position is not well conserved in available vertebrate species. In addition, the in silico prediction for this alteration is inconclusive. Based on the available evidence, the clinical significance of this variant remains unclear.